The following is an entry in ClinVar:

ClinVar aggregate classification (germline): Uncertain significance (1 of 4 stars; one submission).

Conditions:
Autosomal recessive limb-girdle muscular dystrophy type 2W (MDRCMTT). Also called: Muscular dystrophy, autosomal recessive, with cardiomyopathy and triangular tongue; Muscular dystrophy, limb-girdle, type 2W. Identifiers: MedGen C4225192, MONDO:0014788, OMIM 616827.

Allele frequency attached by ClinVar (database versions not stated): gnomAD exomes below 0.00001.
gnomAD v4.1: 1 of 1,613,338 alleles (0.000062%); highest among the groups gnomAD compares: Non-Finnish European, 0.000085%; no homozygotes.

Submission:

Labcorp Genetics (formerly Invitae), Labcorp
Classification: Uncertain significance for Autosomal recessive limb-girdle muscular dystrophy type 2W. Last evaluated: 2022-04-29. Review status: criteria provided, single submitter. Criteria: Invitae Variant Classification Sherloc (09022015). Collection method: clinical testing. Allele origin: germline.
Comment: Variants that disrupt the consensus splice site are a relatively common cause of aberrant splicing (PMID: 17576681, 9536098). Algorithms developed to predict the effect of sequence changes on RNA splicing suggest that this variant is not likely to affect RNA splicing. This variant has not been reported in the literature in individuals affected with LIMS2-related conditions. This variant is present in population databases (no rsID available, gnomAD 0.0009%). This sequence change falls in intron 9 of the LIMS2 gene. It does not directly change the encoded amino acid sequence of the LIMS2 protein. It affects a nucleotide within the consensus splice site. In summary, the available evidence is currently insufficient to determine the role of this variant in disease. Therefore, it has been classified as a Variant of Uncertain Significance.

Literature cited by the submitters: PubMed 17576681; PubMed 9536098.

NM_001161403.3(LIMS2):c.803-3C>T

Gene: LIMS2 (LIM zinc finger domain containing 2; minus strand). Cytogenetic location: 2q14.3.
Variant type: single nucleotide variant.
Coding change: c.803-3C>T on transcript NM_001161403.3 (MANE Select); 3 bases into the intron before coding-DNA position 803, C replaced by T.
Molecular consequence: intron variant.
Genome position (GRCh38, 1-based): chr2:127,640,148, G>A on the plus strand (C>T on the coding strand, the complement: LIMS2 is on the minus strand). VCF-style: chr2-127640148-G-A. GRCh37 (hg19) VCF-style: chr2-128397723-G-A.
Other names: c.788-3C>T (NM_001161404.2); c.869-3C>T (NM_001136037.4); c.875-3C>T (NM_017980.5); c.347-3C>T (NM_001256542.2).
Identifiers: ClinVar variation 2131658 (VCV002131658.4), dbSNP rs1203723192, ClinGen allele CA535662011.